The following is an entry in ClinVar:

ClinVar aggregate classification (germline): Uncertain significance. Review status: criteria provided, multiple submitters, no conflicts (2 of 4 stars). 2 submissions from 2 submitters: Uncertain significance (2). Last evaluated 2024-04-19.

Conditions:
Autosomal recessive limb-girdle muscular dystrophy type 2J (LGMDR10). Also called: Limb-girdle muscular dystrophy, type 2J; MUSCULAR DYSTROPHY, LIMB-GIRDLE, AUTOSOMAL RECESSIVE 10. Identifiers: Orphanet 140922, MedGen C1837342, MONDO:0012127, OMIM 608807.
Dilated cardiomyopathy 1G (CMD1G). Identifiers: Orphanet 154, MedGen C1858763, MONDO:0011400, OMIM 604145.

Allele frequency attached by ClinVar (database versions not stated): gnomAD 0.00001; ExAC 0.00003; TOPMed 0.00003; gnomAD exomes 0.00004 and 0.00007.
gnomAD v4.1: 26 of 1,613,316 alleles (0.0016%); highest among the groups gnomAD compares: Admixed American, 0.042%; no homozygotes.

Submissions (2):

Mayo Clinic Laboratories, Mayo Clinic
Classification: Uncertain significance. Last evaluated: 2024-04-19. Review status: criteria provided, single submitter. Criteria: ACMG Guidelines, 2015. Collection method: clinical testing. Allele origin: germline. Observed: 1 variant allele.
Comment: BP4

Labcorp Genetics (formerly Invitae), Labcorp
Classification: Uncertain significance for Dilated cardiomyopathy 1G; Autosomal recessive limb-girdle muscular dystrophy type 2J. Last evaluated: 2017-06-15. Review status: criteria provided, single submitter. Criteria: Invitae Variant Classification Sherloc (09022015). Collection method: clinical testing. Allele origin: germline.

NM_001267550.2(TTN):c.12801A>T (p.Leu4267Phe)

Gene: TTN (titin; minus strand). Cytogenetic location: 2q31.2.
Variant type: single nucleotide variant.
Coding change: c.12801A>T on transcript NM_001267550.2 (MANE Select); coding-DNA position 12801, A replaced by T.
Protein change: p.Leu4267Phe; replaces leucine 4267 with phenylalanine.
Molecular consequence: missense variant. On other transcripts: intron variant (1).
Genome position (GRCh38, 1-based): chr2:178,740,432, T>A on the plus strand (A>T on the coding strand, the complement: TTN is on the minus strand). VCF-style: chr2-178740432-T-A. GRCh37 (hg19) VCF-style: chr2-179605159-T-A.
Other names: p.Leu3950Phe; c.11850A>T, p.Leu3950Phe (NM_001256850.1); c.11712A>T, p.Leu3904Phe (NM_003319.4); c.12087A>T, p.Leu4029Phe (NM_133432.3); c.12288A>T, p.Leu4096Phe (NM_133437.4); c.10361-2072A>T (NM_133378.4); short protein forms L4267F, L3904F, L3950F, L4029F, L4096F.
Identifiers: ClinVar variation 466805 (VCV000466805.4), dbSNP rs750553032, ClinGen allele CA2002669.